The following is an entry in ClinVar:

NM_000051.4(ATM):c.8988-15T>A

Genes: ATM (ATM serine/threonine kinase; plus strand), C11orf65 (chromosome 11 open reading frame 65; minus strand). Cytogenetic location: 11q22.3.
Variant type: single nucleotide variant.
Coding change: c.8988-15T>A on transcript NM_000051.4 (MANE Select); 15 bases into the intron before coding-DNA position 8988, T replaced by A.
Molecular consequence: intron variant.
Genome position (GRCh38, 1-based): chr11:108,365,310, T>A. VCF-style: chr11-108365310-T-A. GRCh37 (hg19) VCF-style: chr11-108236037-T-A.
Other names: c.8988-15T>A (NM_001351834.2); c.640+20610A>T (NM_001330368.2); c.694+20610A>T (NM_001351110.2).
Identifiers: ClinVar variation 1928584 (VCV001928584.4), dbSNP rs2137901264, ClinGen allele CA2580083130.

ClinVar aggregate classification (germline): Uncertain significance (1 of 4 stars; one submission).

Conditions:
Ataxia-telangiectasia syndrome (AT). Also called: Ataxia-telangiectasia, complementation group D; AT, COMPLEMENTATION GROUP C; ATAXIA-TELANGIECTASIA, COMPLEMENTATION GROUP A; ATAXIA-TELANGIECTASIA, FRESNO VARIANT; Ataxia-telangiectasia, complementation group E; LOUIS-BAR SYNDROME. Identifiers: Orphanet 100, MedGen C0004135, MONDO:0008840, OMIM 208900.

Submission:

Labcorp Genetics (formerly Invitae), Labcorp
Classification: Uncertain significance for Ataxia-telangiectasia syndrome. Last evaluated: 2022-09-15. Review status: criteria provided, single submitter. Criteria: Invitae Variant Classification Sherloc (09022015). Collection method: clinical testing. Allele origin: germline.
Comment: This sequence change falls in intron 62 of the ATM gene. It does not directly change the encoded amino acid sequence of the ATM protein. This variant is not present in population databases (gnomAD no frequency). This variant has not been reported in the literature in individuals affected with ATM-related conditions. Algorithms developed to predict the effect of sequence changes on RNA splicing suggest that this variant may disrupt the consensus splice site. In summary, the available evidence is currently insufficient to determine the role of this variant in disease. Therefore, it has been classified as a Variant of Uncertain Significance.